The following is an entry in ClinVar:

ClinVar aggregate classification (germline): Benign. Review status: criteria provided, multiple submitters, no conflicts (2 of 4 stars). 5 submissions from 5 submitters: Benign (4). 1 of the submissions does not count toward it. Last evaluated 2026-01-16.

Conditions:
MAOA-related disorder. Also called: MAOA-related condition.
Brunner syndrome (BRNRS). Identifiers: Orphanet 3057, MedGen C0796275, MONDO:0010379, OMIM 300615.
Inborn genetic diseases. Identifiers: MedGen C0950123, MeSH D030342.

Allele frequency attached by ClinVar (database versions not stated): gnomAD exomes 0.00062; ExAC 0.00068; 1000 Genomes Project 30x 0.00104; 1000 Genomes Project 0.00132; gnomAD 0.00207 and 0.00220; ESP Exome Variant Server 0.00218; TOPMed 0.00286.
gnomAD v4.1: 506 of 1,208,915 alleles (0.042%); highest among the groups gnomAD compares: African/African-American, 0.74%; 2 homozygotes.

Submissions (5):

Labcorp Genetics (formerly Invitae), Labcorp
Classification: Benign for Brunner syndrome. Last evaluated: 2026-01-16. Review status: criteria provided, single submitter. Criteria: Invitae Variant Classification Sherloc (09022015). Collection method: clinical testing. Allele origin: germline.

Ambry Genetics
Classification: Benign for Inborn genetic diseases. Last evaluated: 2017-05-25. Review status: criteria provided, single submitter. Criteria: Ambry Variant Classification Scheme 2023. Collection method: clinical testing. Allele origin: germline.

Genetic Services Laboratory, University of Chicago
Classification: Benign. Last evaluated: 2016-12-30. Review status: criteria provided, single submitter. Criteria: ACMG Guidelines, 2015. Collection method: clinical testing. Allele origin: germline. Affected: no.

Breakthrough Genomics
Classification: Benign. Review status: criteria provided, single submitter. Criteria: ACMG Guidelines, 2015. Collection method: not provided. Allele origin: germline. Inheritance: X-linked inheritance. Affected: yes.

PreventionGenetics, part of Exact Sciences
Classification: Benign for MAOA-related condition. Last evaluated: 2021-06-06. Review status: no assertion criteria provided. Collection method: clinical testing. Allele origin: germline. Not counted in ClinVar's aggregate classification.
Comment: This variant is classified as benign based on ACMG/AMP sequence variant interpretation guidelines (Richards et al. 2015 PMID: 25741868, with internal and published modifications).

NM_000240.4(MAOA):c.515G>A (p.Arg172Gln)

Gene: MAOA (monoamine oxidase A; plus strand). Cytogenetic location: Xp11.3.
Variant type: single nucleotide variant.
Coding change: c.515G>A on transcript NM_000240.4 (MANE Select); coding-DNA position 515, G replaced by A.
Protein change: p.Arg172Gln; replaces arginine 172 with glutamine.
Molecular consequence: missense variant.
Genome position (GRCh38, 1-based): chrX:43,728,184, G>A. VCF-style: chrX-43728184-G-A. GRCh37 (hg19) VCF-style: chrX-43587431-G-A.
Other names: c.116G>A, p.Arg39Gln (NM_001270458.2); short protein forms R172Q, R39Q.
Identifiers: ClinVar variation 435814 (VCV000435814.24), dbSNP rs58524323, ClinGen allele CA10390794.